The following is an entry in ClinVar:

NM_024494.3(WNT2B):c.641G>A (p.Arg214Gln)

Gene: WNT2B (Wnt family member 2B; plus strand). Cytogenetic location: 1p13.2.
Variant type: single nucleotide variant.
Coding change: c.641G>A on transcript NM_024494.3 (MANE Select); coding-DNA position 641, G replaced by A.
Protein change: p.Arg214Gln; replaces arginine 214 with glutamine.
Molecular consequence: missense variant.
Genome position (GRCh38, 1-based): chr1:112,516,377, G>A. VCF-style: chr1-112516377-G-A. GRCh37 (hg19) VCF-style: chr1-113058999-G-A.
Other names: c.365G>A, p.Arg122Gln (NM_001291880.1); c.584G>A, p.Arg195Gln (NM_004185.4); short protein forms R122Q, R195Q, R214Q.
Identifiers: ClinVar variation 1923920 (VCV001923920.2), dbSNP rs770616476, ClinGen allele CA1008303.

ClinVar aggregate classification (germline): Uncertain significance (1 of 4 stars; one submission).

Allele frequency attached by ClinVar (database versions not stated): gnomAD exomes 0.00001; ExAC 0.00002; gnomAD 0.00003.
gnomAD v4.1: 12 of 1,613,670 alleles (0.00074%); highest among the groups gnomAD compares: African/African-American, 0.0027%; no homozygotes.

Submission:

Labcorp Genetics (formerly Invitae), Labcorp
Classification: Uncertain significance. Last evaluated: 2022-05-03. Review status: criteria provided, single submitter. Criteria: Invitae Variant Classification Sherloc (09022015). Collection method: clinical testing. Allele origin: germline.
Comment: This sequence change replaces arginine, which is basic and polar, with glutamine, which is neutral and polar, at codon 214 of the WNT2B protein (p.Arg214Gln). This variant is present in population databases (rs770616476, gnomAD 0.007%). This variant has not been reported in the literature in individuals affected with WNT2B-related conditions. Algorithms developed to predict the effect of missense changes on protein structure and function (SIFT, PolyPhen-2, Align-GVGD) all suggest that this variant is likely to be disruptive. In summary, the available evidence is currently insufficient to determine the role of this variant in disease. Therefore, it has been classified as a Variant of Uncertain Significance.